The following is an entry in ClinVar:

NM_017763.6(RNF43):c.*8A>C

Gene: RNF43 (ring finger protein 43; minus strand). Cytogenetic location: 17q22.
Variant type: single nucleotide variant.
Coding change: c.*8A>C on transcript NM_017763.6 (MANE Select); 8 bases downstream of the stop codon, A replaced by C.
Molecular consequence: 3 prime UTR variant.
Genome position (GRCh38, 1-based): chr17:58,354,935, T>G on the plus strand (A>C on the coding strand, the complement: RNF43 is on the minus strand). VCF-style: chr17-58354935-T-G. GRCh37 (hg19) VCF-style: chr17-56432296-T-G.
Other names: c.*8A>C (NM_001305544.3, NM_001305545.2, NM_001438822.1).
Identifiers: ClinVar variation 5042447 (VCV005042447.1).
Genomic context (GRCh38, chr17:58,354,935, plus strand): 5'-GACTCTGTGCCAGGTAGGGCCCAAACACATCTGGAGCACACTCTTGGTTGGAGCTAGGCC[T>G]GAACATCTCACACAGCCTGTTCACACAGCTCCTCGAGTTCCTCCTCTGAGCCTGTATTTA-3'

ClinVar aggregate classification (germline): Benign (1 of 4 stars; one submission).

Conditions:
Sessile serrated polyposis cancer syndrome (SSPCS). Identifiers: Orphanet 157798, MedGen C4310714, MONDO:0014919, OMIM 617108.

gnomAD v4.1: 1 of 1,613,922 alleles (0.000062%); no homozygotes.

Submission:

Myriad Genetics, Inc.
Classification: Benign for Sessile serrated polyposis cancer syndrome. Last evaluated: 2026-07-02. Review status: criteria provided, single submitter. Criteria: Myriad Autosomal Dominant, Autosomal Recessive and X-Linked Classification Criteria (2023). Collection method: clinical testing. Allele origin: unknown.
Comment: This variant is considered benign. This variant occurs in the non-coding 3' untranslated region of the gene, and is not expected to impact protein function.